The following is an entry in ClinVar:

ClinVar aggregate classification (germline): Uncertain significance (1 of 4 stars; one submission).

Submission:

Labcorp Genetics (formerly Invitae), Labcorp
Classification: Uncertain significance. Last evaluated: 2024-04-10. Review status: criteria provided, single submitter. Criteria: Invitae Variant Classification Sherloc (09022015). Collection method: clinical testing. Allele origin: germline.
Comment: This sequence change replaces tryptophan, which is neutral and slightly polar, with cysteine, which is neutral and slightly polar, at codon 874 of the AP3D1 protein (p.Trp874Cys). This variant is not present in population databases (gnomAD no frequency). This variant has not been reported in the literature in individuals affected with AP3D1-related conditions. An algorithm developed to predict the effect of missense changes on protein structure and function (PolyPhen-2) suggests that this variant is likely to be disruptive. In summary, the available evidence is currently insufficient to determine the role of this variant in disease. Therefore, it has been classified as a Variant of Uncertain Significance.

NM_001261826.3(AP3D1):c.2622G>C (p.Trp874Cys)

Gene: AP3D1 (adaptor related protein complex 3 subunit delta 1; minus strand). Cytogenetic location: 19p13.3.
Variant type: single nucleotide variant.
Coding change: c.2622G>C on transcript NM_001261826.3 (MANE Select); coding-DNA position 2622, G replaced by C.
Protein change: p.Trp874Cys; replaces tryptophan 874 with cysteine.
Molecular consequence: missense variant. On other transcripts: intron variant (1).
Genome position (GRCh38, 1-based): chr19:2,113,393, C>G on the plus strand (G>C on the coding strand, the complement: AP3D1 is on the minus strand). VCF-style: chr19-2113393-C-G. GRCh37 (hg19) VCF-style: chr19-2113392-C-G.
Other names: c.2622G>C, p.Trp874Cys (NM_001374799.1); c.2601+732G>C (NM_003938.8); short protein forms W874C.
Identifiers: ClinVar variation 3677368 (VCV003677368.2).
Genomic context (GRCh38, chr19:2,113,393, plus strand): 5'-TACCGTGGATGGAACGGGGGCGGGGGCGGGGGCGGGGGCAGGCGGTGGGGTGGTAGACAG[C>G]CAGAAGTCCAGGTCCTCAGCCTGAAACCACAAGACAGGCTGTCAGCAAACGCAGTGCAAT-3'
Protein context (NP_001248755.1, residues 864-884): KEKKAEDLDF[Trp874Cys]LSTTPPPAPA